The following is an entry in ClinVar:

ClinVar aggregate classification (germline): Conflicting classifications of pathogenicity. Review status: criteria provided, conflicting classifications (1 of 4 stars). 2 submissions from 2 submitters: Likely pathogenic (1); Uncertain significance (1). Last evaluated 2021-10-31.

Conditions:
Neurofibromatosis, type 1 (NF1). Also called: NEUROFIBROMATOSIS, TYPE I, SOMATIC; VON RECKLINGHAUSEN DISEASE; Peripheral type neurofibromatosis; Neurofibromatosis, type I. Identifiers: Orphanet 636, MedGen C0027831, MONDO:0018975, OMIM 162200. Disease mechanism: loss of function.

Submissions (2):

Labcorp Genetics (formerly Invitae), Labcorp
Classification: Uncertain significance for Neurofibromatosis, type 1. Last evaluated: 2021-10-31. Review status: criteria provided, single submitter. Criteria: Invitae Variant Classification Sherloc (09022015). Collection method: clinical testing. Allele origin: germline.
Comment: In summary, the available evidence is currently insufficient to determine the role of this variant in disease. Therefore, it has been classified as a Variant of Uncertain Significance. Advanced modeling of protein sequence and biophysical properties (such as structural, functional, and spatial information, amino acid conservation, physicochemical variation, residue mobility, and thermodynamic stability) performed at Invitae indicates that this missense variant is expected to disrupt NF1 protein function. ClinVar contains an entry for this variant (Variation ID: 547670). This variant has not been reported in the literature in individuals affected with NF1-related conditions. This variant is not present in population databases (gnomAD no frequency). This sequence change replaces leucine, which is neutral and non-polar, with methionine, which is neutral and non-polar, at codon 1925 of the NF1 protein (p.Leu1925Met).

Center for Human Genetics, Inc
Classification: Likely pathogenic for Neurofibromatosis, type 1. Last evaluated: 2016-11-01. Review status: criteria provided, single submitter. Criteria: ACMG Guidelines, 2015. Collection method: clinical testing. Allele origin: germline. Affected: yes.

NM_001042492.3(NF1):c.5836T>A (p.Leu1946Met)

Gene: NF1 (neurofibromin 1; plus strand). Cytogenetic location: 17q11.2.
Variant type: single nucleotide variant.
Coding change: c.5836T>A on transcript NM_001042492.3 (MANE Select); coding-DNA position 5836, T replaced by A.
Protein change: p.Leu1946Met; replaces leucine 1946 with methionine.
Molecular consequence: missense variant.
Genome position (GRCh38, 1-based): chr17:31,334,861, T>A. VCF-style: chr17-31334861-T-A. GRCh37 (hg19) VCF-style: chr17-29661879-T-A.
Other names: c.5773T>A, p.Leu1925Met (NM_000267.4); short protein forms L1925M, L1946M.
Identifiers: ClinVar variation 547670 (VCV000547670.7), dbSNP rs1422333640, ClinGen allele CA399010602.